The following is an entry in ClinVar:

NM_005618.4(DLL1):c.1106C>T (p.Thr369Ile)

Gene: DLL1 (delta like canonical Notch ligand 1; minus strand). Cytogenetic location: 6q27.
Variant type: single nucleotide variant.
Coding change: c.1106C>T on transcript NM_005618.4 (MANE Select); coding-DNA position 1106, C replaced by T.
Protein change: p.Thr369Ile; replaces threonine 369 with isoleucine.
Molecular consequence: missense variant.
Genome position (GRCh38, 1-based): chr6:170,285,062, G>A on the plus strand (C>T on the coding strand, the complement: DLL1 is on the minus strand). VCF-style: chr6-170285062-G-A. GRCh37 (hg19) VCF-style: chr6-170594150-G-A.
Other names: short protein forms T369I.
Identifiers: ClinVar variation 2241141 (VCV002241141.5), dbSNP rs542863619, ClinGen allele CA4106926.
Genomic context (GRCh38, chr6:170,285,062, plus strand): 5'-TACCCTCCATCGGGGCTGTCTGAGCACCGACCCCCGTTAAAGCAAGGGCCGTCCGCACAG[G>A]TCATGGCACTCAATTCACAGATTTTGCCGTAGAAGCCGGGTGGGCAGGTACAGGAGTAGC-3'
Protein context (NP_005609.3, residues 359-379): YGKICELSAM[Thr369Ile]CADGPCFNGG

ClinVar aggregate classification (germline): Uncertain significance. Review status: criteria provided, multiple submitters, no conflicts (2 of 4 stars). 2 submissions from 2 submitters: Uncertain significance (2). Last evaluated 2025-02-24.

Conditions:
Inborn genetic diseases. Identifiers: MedGen C0950123, MeSH D030342.

Allele frequency attached by ClinVar (database versions not stated): 1000 Genomes Project 30x 0.00016; TOPMed 0.00001; 1000 Genomes Project 0.00020.
gnomAD v4.1: 15 of 1,614,146 alleles (0.00093%); highest among the groups gnomAD compares: African/African-American, 0.004%; no homozygotes.

Submissions (2):

Labcorp Genetics (formerly Invitae), Labcorp
Classification: Uncertain significance. Last evaluated: 2025-02-24. Review status: criteria provided, single submitter. Criteria: Invitae Variant Classification Sherloc (09022015). Collection method: clinical testing. Allele origin: germline.
Comment: This sequence change replaces threonine, which is neutral and polar, with isoleucine, which is neutral and non-polar, at codon 369 of the DLL1 protein (p.Thr369Ile). This variant is present in population databases (rs542863619, gnomAD 0.006%). This variant has not been reported in the literature in individuals affected with DLL1-related conditions. ClinVar contains an entry for this variant (Variation ID: 2241141). An algorithm developed to predict the effect of missense changes on protein structure and function (PolyPhen-2) suggests that this variant is likely to be tolerated. In summary, the available evidence is currently insufficient to determine the role of this variant in disease. Therefore, it has been classified as a Variant of Uncertain Significance.

Ambry Genetics
Classification: Uncertain significance for Inborn genetic diseases. Last evaluated: 2021-08-02. Review status: criteria provided, single submitter. Criteria: Ambry Variant Classification Scheme 2023. Collection method: clinical testing. Allele origin: germline.